The following is an entry in ClinVar:

NM_005188.4(CBL):c.369G>A (p.Met123Ile)

Gene: CBL (Cbl proto-oncogene; plus strand). Cytogenetic location: 11q23.3.
Variant type: single nucleotide variant.
Coding change: c.369G>A on transcript NM_005188.4 (MANE Select); coding-DNA position 369, G replaced by A.
Protein change: p.Met123Ile; replaces methionine 123 with isoleucine.
Molecular consequence: missense variant.
Genome position (GRCh38, 1-based): chr11:119,232,621, G>A. VCF-style: chr11-119232621-G-A. GRCh37 (hg19) VCF-style: chr11-119103331-G-A.
Other names: short protein forms M123I.
Identifiers: ClinVar variation 4800599 (VCV004800599.1).

ClinVar aggregate classification (germline): Uncertain significance (1 of 4 stars; one submission).

Conditions:
RASopathy. Also called: rasopathies; Noonan spectrum disorder. Identifiers: Orphanet 536391, MedGen C5555857, MONDO:0021060.

Submission:

Labcorp Genetics (formerly Invitae), Labcorp
Classification: Uncertain significance for RASopathy. Last evaluated: 2025-07-29. Review status: criteria provided, single submitter. Criteria: Invitae Variant Classification Sherloc (09022015). Collection method: clinical testing. Allele origin: germline.
Comment: This sequence change replaces methionine, which is neutral and non-polar, with isoleucine, which is neutral and non-polar, at codon 123 of the CBL protein (p.Met123Ile). This variant is not present in population databases (gnomAD no frequency). This variant has not been reported in the literature in individuals affected with CBL-related conditions. Invitae Evidence Modeling of protein sequence and biophysical properties (such as structural, functional, and spatial information, amino acid conservation, physicochemical variation, residue mobility, and thermodynamic stability) indicates that this missense variant is not expected to disrupt CBL protein function with a negative predictive value of 95%. In summary, the available evidence is currently insufficient to determine the role of this variant in disease. Therefore, it has been classified as a Variant of Uncertain Significance.